The following is an entry in ClinVar:

NM_000256.3(MYBPC3):c.927_928delGG

Gene: MYBPC3 (myosin binding protein C3; minus strand). Cytogenetic location: 11p11.2.
Variant type: Deletion.
Coding change: c.927_928delGG on transcript NM_000256.3 (MANE Select); coding-DNA positions 927 to 928, 2 bases deleted (GG).
Molecular consequence: splice acceptor variant.
Genome position (GRCh38, 1-based): chr11:47,346,369-47,346,370, CC deleted on the plus strand (GG on the coding strand, the reverse complement: MYBPC3 is on the minus strand); deleting any 2 consecutive bases within chr11:47,346,369-47,346,371 gives the same sequence; the c. name uses the placement nearest the transcript's 3' end. VCF-style (leftmost placement, unchanged base first): chr11-47346368-TCC-T. GRCh37 (hg19) VCF-style: chr11-47367919-TCC-T.
Identifiers: ClinVar variation 254155 (VCV000254155.4), dbSNP rs886037902, ClinGen allele CA10586355.

ClinVar aggregate classification (germline): Likely pathogenic. Review status: criteria provided, multiple submitters, no conflicts (2 of 4 stars). 2 submissions from 2 submitters: Likely pathogenic (2). Last evaluated 2018-10-31.

Conditions:
Hypertrophic cardiomyopathy. Also called: HYPERTROPHIC MYOCARDIOPATHY. Identifiers: Orphanet 217569, MedGen C0007194, MeSH D002312, MONDO:0005045, HP:0001639.
Hypertrophic cardiomyopathy 4. Also called: Familial hypertrophic cardiomyopathy 4. Identifiers: MedGen C1861862, MONDO:0007268, OMIM 115197.

Submissions (2):

Center for Human Genetics, University of Leuven
Classification: Likely pathogenic for Hypertrophic cardiomyopathy. Last evaluated: 2018-10-31. Review status: criteria provided, single submitter. Criteria: ACMG Guidelines, 2015. Collection method: clinical testing. Allele origin: germline. Affected: yes.

Center for Medical Genetics Ghent, University of Ghent
Classification: Likely pathogenic for Hypertrophic cardiomyopathy 4. Last evaluated: 2016-02-09. Review status: criteria provided, single submitter. Criteria: ACMG Guidelines, 2015. Collection method: clinical testing. Allele origin: germline. Affected: yes.
Comment: This variant has not been identified in large population databases (Gnomad, 1000 Genomes, Go NL, Exome Variant Server) and is predicted to cause loss of normal protein function either through protein truncation or nonsense-mediated mRNA decay. The variant segregates with disease in two unrelated families.